The following is an entry in ClinVar:

NM_001024630.4(RUNX2):c.163C>T (p.Gln55Ter)

Genes: RUNX2 (RUNX family transcription factor 2; plus strand), LOC109611589 (runt related transcription factor 2 polyalanine expansion region; plus strand). Cytogenetic location: 6p21.1.
Variant type: single nucleotide variant.
Coding change: c.163C>T on transcript NM_001024630.4 (MANE Select); coding-DNA position 163, C replaced by T.
Protein change: p.Gln55Ter; replaces glutamine 55 with a stop codon.
Molecular consequence: nonsense.
Genome position (GRCh38, 1-based): chr6:45,422,697, C>T. VCF-style: chr6-45422697-C-T. GRCh37 (hg19) VCF-style: chr6-45390434-C-T.
Other names: c.163C>T, p.Gln55Ter (NM_001015051.4); c.121C>T, p.Gln41Ter (NM_001278478.2, NM_001369405.1, NM_004348.3); short protein forms Q55*, Q41*.
Identifiers: ClinVar variation 2020304 (VCV002020304.4), dbSNP rs2548581742, ClinGen allele CA363957772.

ClinVar aggregate classification (germline): Pathogenic (1 of 4 stars; one submission).

Submission:

Labcorp Genetics (formerly Invitae), Labcorp
Classification: Pathogenic. Last evaluated: 2022-08-21. Review status: criteria provided, single submitter. Criteria: Invitae Variant Classification Sherloc (09022015). Collection method: clinical testing. Allele origin: germline.
Comment: For these reasons, this variant has been classified as Pathogenic. This variant has not been reported in the literature in individuals affected with RUNX2-related conditions. This variant is not present in population databases (gnomAD no frequency). This sequence change creates a premature translational stop signal (p.Gln55*) in the RUNX2 gene. It is expected to result in an absent or disrupted protein product. Loss-of-function variants in RUNX2 are known to be pathogenic (PMID: 10521292, 11857736).

Literature cited by the submitters: PubMed 10521292; PubMed 11857736.